The following is an entry in ClinVar:

NM_006031.6(PCNT):c.6150+11G>C

Gene: PCNT (pericentrin; plus strand). Cytogenetic location: 21q22.3.
Variant type: single nucleotide variant.
Coding change: c.6150+11G>C on transcript NM_006031.6 (MANE Select); 11 bases into the intron after coding-DNA position 6150, G replaced by C.
Molecular consequence: intron variant.
Genome position (GRCh38, 1-based): chr21:46,413,003, G>C. VCF-style: chr21-46413003-G-C. GRCh37 (hg19) VCF-style: chr21-47832917-G-C.
Other names: c.5796+11G>C (NM_001315529.2).
Identifiers: ClinVar variation 159629 (VCV000159629.28), dbSNP rs10222116, ClinGen allele CA173038.

ClinVar aggregate classification (germline): Benign/Likely benign. Review status: criteria provided, multiple submitters, no conflicts (2 of 4 stars). 7 submissions from 7 submitters: Benign (4); Likely benign (3). Last evaluated 2026-02-01.

Conditions:
Microcephalic osteodysplastic primordial dwarfism type II (MOPD2). Also called: Microcephalic osteodysplastic primordial dwarfism with tooth abnormalities; MOPD II; OSTEODYSPLASTIC PRIMORDIAL DWARFISM, TYPE II. Identifiers: Orphanet 2637, MedGen C0432246, MONDO:0008872, OMIM 210720.

Submissions (7):

Labcorp Genetics (formerly Invitae), Labcorp
Classification: Benign. Last evaluated: 2026-02-01. Review status: criteria provided, single submitter. Criteria: Invitae Variant Classification Sherloc (09022015). Collection method: clinical testing. Allele origin: germline.

Genomic Medicine Center of Excellence, King Faisal Specialist Hospital and Research Centre
Classification: Likely benign. Last evaluated: 2025-08-18. Review status: criteria provided, single submitter. Criteria: ACMG Guidelines, 2015. Collection method: clinical testing. Allele origin: germline.

ARUP Laboratories, Molecular Genetics and Genomics, ARUP Laboratories
Classification: Benign for Microcephalic osteodysplastic primordial dwarfism type II. Last evaluated: 2025-06-24. Review status: criteria provided, single submitter. Criteria: ARUP Molecular Germline Variant Investigation Process 2024. Collection method: clinical testing. Allele origin: germline.

Illumina Laboratory Services, Illumina
Classification: Benign for Microcephalic osteodysplastic primordial dwarfism type II. Last evaluated: 2018-01-13. Review status: criteria provided, single submitter. Criteria: ICSL Variant Classification Criteria 13 December 2019. Collection method: clinical testing. Allele origin: germline.
Comment: This variant was observed in the ICSL laboratory as part of a predisposition screen in an ostensibly healthy population. It had not been previously curated by ICSL or reported in the Human Gene Mutation Database (HGMD: prior to June 1st, 2018), and was therefore a candidate for classification through an automated scoring system. Utilizing variant allele frequency, disease prevalence and penetrance estimates, and inheritance mode, an automated score was calculated to assess if this variant is too frequent to cause the disease. Based on the score and internal cut-off values, a variant classified as benign is not then subjected to further curation. The score for this variant resulted in a classification of benign for this disease.

GeneDx
Classification: Benign. Last evaluated: 2015-03-03. Review status: criteria provided, single submitter. Criteria: GeneDx Variant Classification Process June 2021. Collection method: clinical testing. Allele origin: germline. Affected: yes.

Genetic Services Laboratory, University of Chicago
Classification: Likely benign. Last evaluated: 2013-04-25. Review status: criteria provided, single submitter. Criteria: ACMG Guidelines, 2007. Collection method: clinical testing. Allele origin: germline. Inheritance: Autosomal recessive inheritance.
Comment: Likely benign based on allele frequency in 1000 Genomes Project or ESP global frequency and its presence in a patient with a rare or unrelated disease phenotype. NOT Sanger confirmed

Breakthrough Genomics
Classification: Likely benign. Review status: criteria provided, single submitter. Criteria: ACMG Guidelines, 2015. Collection method: not provided. Allele origin: germline. Inheritance: Autosomal recessive inheritance. Affected: yes.